The following is an entry in ClinVar:

ClinVar aggregate classification (germline): Pathogenic (1 of 4 stars; one submission).

Submission:

Labcorp Genetics (formerly Invitae), Labcorp
Classification: Pathogenic. Last evaluated: 2022-06-28. Review status: criteria provided, single submitter. Criteria: Invitae Variant Classification Sherloc (09022015). Collection method: clinical testing. Allele origin: germline.
Comment: For these reasons, this variant has been classified as Pathogenic. This sequence change creates a premature translational stop signal (p.Thr116Profs*9) in the LAMC3 gene. It is expected to result in an absent or disrupted protein product. Loss-of-function variants in LAMC3 are known to be pathogenic (PMID: 21572413, 26802095). This variant is not present in population databases (gnomAD no frequency). This variant has not been reported in the literature in individuals affected with LAMC3-related conditions.

Literature cited by the submitters: PubMed 21572413; PubMed 26802095.

NM_006059.4(LAMC3):c.345del (p.Thr116fs)

Gene: LAMC3 (laminin subunit gamma 3; plus strand). Cytogenetic location: 9q34.12.
Variant type: Deletion.
Coding change: c.345del on transcript NM_006059.4 (MANE Select); coding-DNA position 345, one base deleted (C; older notation c.345delC).
Protein change: p.Thr116fs; shifts the reading frame from threonine 116.
Molecular consequence: frameshift variant.
Genome position (GRCh38, 1-based): chr9:131,009,559, C deleted; the last of 4 consecutive C bases (chr9:131,009,556-131,009,559); deleting any one gives the same sequence. VCF-style (leftmost placement, unchanged base first): chr9-131009555-AC-A. GRCh37 (hg19) VCF-style: chr9-133884942-AC-A.
Other names: short protein forms T116fs.
Identifiers: ClinVar variation 1962286 (VCV001962286.5), dbSNP rs1392915838, ClinGen allele CA860511775.